The following is an entry in ClinVar:

NM_000143.4(FH):c.409C>G (p.Pro137Ala)

Gene: FH (fumarate hydratase; minus strand). Cytogenetic location: 1q43.
Variant type: single nucleotide variant.
Coding change: c.409C>G on transcript NM_000143.4 (MANE Select); coding-DNA position 409, C replaced by G.
Protein change: p.Pro137Ala; replaces proline 137 with alanine.
Molecular consequence: missense variant.
Genome position (GRCh38, 1-based): chr1:241,512,113, G>C on the plus strand (C>G on the coding strand, the complement: FH is on the minus strand). VCF-style: chr1-241512113-G-C. GRCh37 (hg19) VCF-style: chr1-241675413-G-C.
Other names: short protein forms P137A.
Identifiers: ClinVar variation 2587064 (VCV002587064.2), dbSNP rs2527332837, ClinGen allele CA345440166.

ClinVar aggregate classification (germline): Uncertain significance (1 of 4 stars; one submission).

Conditions:
Hereditary cancer-predisposing syndrome. Also called: Tumor predisposition; Hereditary Cancer Syndrome; Hereditary neoplastic syndrome; Neoplastic Syndromes, Hereditary. Identifiers: Orphanet 140162, MedGen C0027672, MeSH D009386, MONDO:0015356.

Submission:

Ambry Genetics
Classification: Uncertain significance for Hereditary cancer-predisposing syndrome. Last evaluated: 2023-08-29. Review status: criteria provided, single submitter. Criteria: Ambry Variant Classification Scheme 2023. Collection method: clinical testing. Allele origin: germline.
Comment: The p.P137A variant (also known as c.409C>G), located in coding exon 4 of the FH gene, results from a C to G substitution at nucleotide position 409. The proline at codon 137 is replaced by alanine, an amino acid with highly similar properties. This amino acid position is conserved. In addition, this alteration is predicted to be deleterious by in silico analysis. Since supporting evidence is limited at this time, the clinical significance of this alteration remains unclear.